The following is an entry in ClinVar:

NM_001042492.3(NF1):c.4945G>T (p.Gly1649Trp)

Gene: NF1 (neurofibromin 1; plus strand). Cytogenetic location: 17q11.2.
Variant type: single nucleotide variant.
Coding change: c.4945G>T on transcript NM_001042492.3 (MANE Select); coding-DNA position 4945, G replaced by T.
Protein change: p.Gly1649Trp; replaces glycine 1649 with tryptophan.
Molecular consequence: missense variant.
Genome position (GRCh38, 1-based): chr17:31,325,929, G>T. VCF-style: chr17-31325929-G-T. GRCh37 (hg19) VCF-style: chr17-29652947-G-T.
Other names: c.4882G>T, p.Gly1628Trp (NM_000267.4); short protein forms G1628W, G1649W.
Identifiers: ClinVar variation 2835114 (VCV002835114.3), dbSNP rs770124316, ClinGen allele CA399007163.

ClinVar aggregate classification (germline): Uncertain significance (1 of 4 stars; one submission).

Conditions:
Neurofibromatosis, type 1 (NF1). Also called: VON RECKLINGHAUSEN DISEASE; NEUROFIBROMATOSIS, TYPE I, SOMATIC; Neurofibromatosis, type I; Peripheral type neurofibromatosis. Identifiers: Orphanet 636, MedGen C0027831, MONDO:0018975, OMIM 162200. Disease mechanism: loss of function.

Submission:

Labcorp Genetics (formerly Invitae), Labcorp
Classification: Uncertain significance for Neurofibromatosis, type 1. Last evaluated: 2023-02-07. Review status: criteria provided, single submitter. Criteria: Invitae Variant Classification Sherloc (09022015). Collection method: clinical testing. Allele origin: germline.
Comment: In summary, the available evidence is currently insufficient to determine the role of this variant in disease. Therefore, it has been classified as a Variant of Uncertain Significance. Advanced modeling of protein sequence and biophysical properties (such as structural, functional, and spatial information, amino acid conservation, physicochemical variation, residue mobility, and thermodynamic stability) performed at Invitae indicates that this missense variant is expected to disrupt NF1 protein function. This variant has not been reported in the literature in individuals affected with NF1-related conditions. This variant is not present in population databases (gnomAD no frequency). This sequence change replaces glycine, which is neutral and non-polar, with tryptophan, which is neutral and slightly polar, at codon 1628 of the NF1 protein (p.Gly1628Trp).